The following is an entry in ClinVar:

ClinVar aggregate classification (germline): Uncertain significance (1 of 4 stars; one submission).

Conditions:
Ataxia-telangiectasia syndrome (AT). Also called: LOUIS-BAR SYNDROME; Ataxia-telangiectasia, complementation group D; ATAXIA-TELANGIECTASIA, COMPLEMENTATION GROUP A; ATAXIA-TELANGIECTASIA, FRESNO VARIANT; Ataxia-telangiectasia; Ataxia telangiectasia (A-T). Identifiers: Orphanet 100, MedGen C0004135, MONDO:0008840, OMIM 208900.

Submission:

Labcorp Genetics (formerly Invitae), Labcorp
Classification: Uncertain significance for Ataxia-telangiectasia syndrome. Last evaluated: 2023-01-18. Review status: criteria provided, single submitter. Criteria: Invitae Variant Classification Sherloc (09022015). Collection method: clinical testing. Allele origin: germline.
Comment: This sequence change replaces serine, which is neutral and polar, with threonine, which is neutral and polar, at codon 1403 of the ATM protein (p.Ser1403Thr). This variant is not present in population databases (gnomAD no frequency). This variant has not been reported in the literature in individuals affected with ATM-related conditions. Algorithms developed to predict the effect of missense changes on protein structure and function (SIFT, PolyPhen-2, Align-GVGD) all suggest that this variant is likely to be tolerated. In summary, the available evidence is currently insufficient to determine the role of this variant in disease. Therefore, it has been classified as a Variant of Uncertain Significance.

NM_000051.4(ATM):c.4208G>C (p.Ser1403Thr)

Gene: ATM (ATM serine/threonine kinase; plus strand). Cytogenetic location: 11q22.3.
Variant type: single nucleotide variant.
Coding change: c.4208G>C on transcript NM_000051.4 (MANE Select); coding-DNA position 4208, G replaced by C.
Protein change: p.Ser1403Thr; replaces serine 1403 with threonine.
Molecular consequence: missense variant.
Genome position (GRCh38, 1-based): chr11:108,289,075, G>C. VCF-style: chr11-108289075-G-C. GRCh37 (hg19) VCF-style: chr11-108159802-G-C.
Other names: c.4208G>C, p.Ser1403Thr (NM_001351834.2); short protein forms S1403T.
Identifiers: ClinVar variation 2829776 (VCV002829776.3), dbSNP rs2135753212, ClinGen allele CA382530415.